The following is an entry in ClinVar:

ClinVar aggregate classification (germline): Uncertain significance (1 of 4 stars; one submission).

Conditions:
Cardiovascular phenotype. Identifiers: MedGen CN230736.

Submission:

Ambry Genetics
Classification: Uncertain significance for Cardiovascular phenotype. Last evaluated: 2026-01-23. Review status: criteria provided, single submitter. Criteria: Ambry Variant Classification Scheme 2023. Collection method: clinical testing. Allele origin: germline.
Comment: The c.1408-5T>C intronic variant results from a T to C substitution 5 nucleotides upstream from coding exon 13 in the MYH7 gene. This nucleotide position is not well conserved in available vertebrate species. In silico splice site analysis predicts that this alteration will not have any significant effect on splicing. Based on the available evidence, the clinical significance of this variant remains unclear.

NM_000257.4(MYH7):c.1408-5T>C

Gene: MYH7 (myosin heavy chain 7; minus strand). Cytogenetic location: 14q11.2.
Variant type: single nucleotide variant.
Coding change: c.1408-5T>C on transcript NM_000257.4 (MANE Select); 5 bases into the intron before coding-DNA position 1408, T replaced by C.
Molecular consequence: intron variant.
Genome position (GRCh38, 1-based): chr14:23,428,675, A>G on the plus strand (T>C on the coding strand, the complement: MYH7 is on the minus strand). VCF-style: chr14-23428675-A-G. GRCh37 (hg19) VCF-style: chr14-23897884-A-G.
Other names: c.1408-5T>C (NM_001407004.1).
Identifiers: ClinVar variation 4841539 (VCV004841539.1).